The following is an entry in ClinVar:

NC_000012.12:g.(?_21933772)_(21933933_?)del

Gene: ABCC9 (ATP binding cassette subfamily C member 9; minus strand). Cytogenetic location: 12p12.1.
Variant type: Deletion.
Identifiers: ClinVar variation 831010 (VCV000831010.6).

ClinVar aggregate classification (germline): Uncertain significance (1 of 4 stars; one submission).

Conditions:
Dilated cardiomyopathy 1O (CMD1O). Also called: CARDIOMYOPATHY, DILATED, WITH VENTRICULAR TACHYCARDIA. Identifiers: Orphanet 154, MedGen C1837839, MONDO:0012062, OMIM 608569.

Submission:

Labcorp Genetics (formerly Invitae), Labcorp
Classification: Uncertain significance for Dilated cardiomyopathy 1O. Last evaluated: 2019-10-09. Review status: criteria provided, single submitter. Criteria: Invitae Variant Classification Sherloc (09022015). Collection method: clinical testing. Allele origin: germline.
Comment: In summary, the available evidence is currently insufficient to determine the role of this variant in disease. Therefore, it has been classified as a Variant of Uncertain Significance. The current clinical and genetic evidence is not sufficient to establish whether loss-of-function variants in ABCC9 cause disease. This variant has not been reported in the literature in individuals with ABCC9-related conditions. This variant is an out-of-frame deletion of the genomic region encompassing exons 2 of the ABCC9 gene. This is expected to create a premature translational stop signal and result in an absent or disrupted protein product.